The following is an entry in ClinVar:

ClinVar aggregate classification (germline): Uncertain significance (1 of 4 stars; one submission).

Allele frequency attached by ClinVar (database versions not stated): gnomAD 0.00001.
gnomAD v4.1: 21 of 1,614,046 alleles (0.0013%); highest among the groups gnomAD compares: South Asian, 0.0022%; no homozygotes.

Submission:

Labcorp Genetics (formerly Invitae), Labcorp
Classification: Uncertain significance. Last evaluated: 2021-09-04. Review status: criteria provided, single submitter. Criteria: Invitae Variant Classification Sherloc (09022015). Collection method: clinical testing. Allele origin: germline.
Comment: In summary, the available evidence is currently insufficient to determine the role of this variant in disease. Therefore, it has been classified as a Variant of Uncertain Significance. Algorithms developed to predict the effect of missense changes on protein structure and function are either unavailable or do not agree on the potential impact of this missense change (SIFT: "Not Available"; PolyPhen-2: "Probably Damaging"; Align-GVGD: "Not Available"). This variant has not been reported in the literature in individuals affected with HYOU1-related conditions. This variant is present in population databases (rs781792139, ExAC 0.01%). This sequence change replaces arginine with tryptophan at codon 278 of the HYOU1 protein (p.Arg278Trp). The arginine residue is highly conserved and there is a moderate physicochemical difference between arginine and tryptophan.

NM_006389.5(HYOU1):c.832C>T (p.Arg278Trp)

Gene: HYOU1 (hypoxia up-regulated 1; minus strand). Cytogenetic location: 11q23.3.
Variant type: single nucleotide variant.
Coding change: c.832C>T on transcript NM_006389.5 (MANE Select); coding-DNA position 832, C replaced by T.
Protein change: p.Arg278Trp; replaces arginine 278 with tryptophan.
Molecular consequence: missense variant.
Genome position (GRCh38, 1-based): chr11:119,052,792, G>A on the plus strand (C>T on the coding strand, the complement: HYOU1 is on the minus strand). VCF-style: chr11-119052792-G-A. GRCh37 (hg19) VCF-style: chr11-118923504-G-A.
Other names: c.832C>T, p.Arg278Trp (NM_001130991.3); short protein forms R278W.
Identifiers: ClinVar variation 1402321 (VCV001402321.6), dbSNP rs781792139, ClinGen allele CA229623739.
Genomic context (GRCh38, chr11:119,052,792, plus strand): 5'-CCTTTGCTCTCTGACCCTTGCGCTGCTCATTGAAAAGCCCAGCCAGGCGTTCTCGAAGCC[G>A]GAGCTCCATCTCCAGGCCCCCCAGGGTACGGTCAAATCTGTTGAGAAAAGGGAGCAGGGA-3'
Protein context (NP_006380.1, residues 268-288): RTLGGLEMEL[Arg278Trp]LRERLAGLFN